The following is an entry in ClinVar:

NM_000096.4(CP):c.2687C>T (p.Pro896Leu)

Gene: CP (ceruloplasmin; minus strand). Cytogenetic location: 3q24.
Variant type: single nucleotide variant.
Coding change: c.2687C>T on transcript NM_000096.4 (MANE Select); coding-DNA position 2687, C replaced by T.
Protein change: p.Pro896Leu; replaces proline 896 with leucine.
Molecular consequence: missense variant. On other transcripts: non-coding transcript variant (1).
Genome position (GRCh38, 1-based): chr3:149,178,606, G>A on the plus strand (C>T on the coding strand, the complement: CP is on the minus strand). VCF-style: chr3-149178606-G-A. GRCh37 (hg19) VCF-style: chr3-148896393-G-A.
Other names: short protein forms P896L.
Identifiers: ClinVar variation 1405721 (VCV001405721.8), dbSNP rs1415343557, ClinGen allele CA354929844.

ClinVar aggregate classification (germline): Uncertain significance (1 of 4 stars; one submission).

Conditions:
Deficiency of ferroxidase (ACEP). Also called: NEURODEGENERATION WITH BRAIN IRON ACCUMULATION 10; Ceruloplasmin deficiency; Familial apoceruloplasmin deficiency; Hereditary ceruloplasmin deficiency; Deficiency of ceruloplasmin; Aceruloplasminemia. Identifiers: Orphanet 48818, MedGen C0878682, MONDO:0011426, OMIM 604290, HP:0025498.

Allele frequency attached by ClinVar (database versions not stated): gnomAD exomes below 0.00001; gnomAD 0.00001; TOPMed 0.00001.
gnomAD v4.1: 9 of 1,612,420 alleles (0.00056%); highest among the groups gnomAD compares: Admixed American, 0.0067%; no homozygotes.

Submission:

Labcorp Genetics (formerly Invitae), Labcorp
Classification: Uncertain significance for Deficiency of ferroxidase. Last evaluated: 2023-11-27. Review status: criteria provided, single submitter. Criteria: Invitae Variant Classification Sherloc (09022015). Collection method: clinical testing. Allele origin: germline.
Comment: This sequence change replaces proline, which is neutral and non-polar, with leucine, which is neutral and non-polar, at codon 896 of the CP protein (p.Pro896Leu). This variant is present in population databases (no rsID available, gnomAD no frequency). This variant has not been reported in the literature in individuals affected with CP-related conditions. ClinVar contains an entry for this variant (Variation ID: 1405721). Advanced modeling of protein sequence and biophysical properties (such as structural, functional, and spatial information, amino acid conservation, physicochemical variation, residue mobility, and thermodynamic stability) has been performed at Invitae for this missense variant, however the output from this modeling did not meet the statistical confidence thresholds required to predict the impact of this variant on CP protein function. In summary, the available evidence is currently insufficient to determine the role of this variant in disease. Therefore, it has been classified as a Variant of Uncertain Significance.